The following is an entry in ClinVar:

ClinVar aggregate classification (germline): Uncertain significance (1 of 4 stars; one submission).

Submission:

Labcorp Genetics (formerly Invitae), Labcorp
Classification: Uncertain significance. Last evaluated: 2024-05-15. Review status: criteria provided, single submitter. Criteria: Invitae Variant Classification Sherloc (09022015). Collection method: clinical testing. Allele origin: germline.
Comment: This sequence change replaces serine, which is neutral and polar, with threonine, which is neutral and polar, at codon 1767 of the CCDC88A protein (p.Ser1767Thr). This variant is present in population databases (no rsID available, gnomAD 0.008%). This variant has not been reported in the literature in individuals affected with CCDC88A-related conditions. ClinVar contains an entry for this variant (Variation ID: 2090649). An algorithm developed to predict the effect of missense changes on protein structure and function (PolyPhen-2) suggests that this variant¬†is likely to be tolerated. In summary, the available evidence is currently insufficient to determine the role of this variant in disease. Therefore, it has been classified as a Variant of Uncertain Significance.

NM_001365480.1(CCDC88A):c.5303G>C (p.Ser1768Thr)

Gene: CCDC88A (coiled-coil domain containing 88A; minus strand). Cytogenetic location: 2p16.1.
Variant type: single nucleotide variant.
Coding change: c.5303G>C on transcript NM_001365480.1 (MANE Select); coding-DNA position 5303, G replaced by C.
Protein change: p.Ser1768Thr; replaces serine 1768 with threonine.
Molecular consequence: missense variant. On other transcripts: intron variant (1).
Genome position (GRCh38, 1-based): chr2:55,295,845, C>G on the plus strand (G>C on the coding strand, the complement: CCDC88A is on the minus strand). VCF-style: chr2-55295845-C-G. GRCh37 (hg19) VCF-style: chr2-55522981-C-G.
Other names: c.5300G>C, p.Ser1767Thr (NM_001135597.2); c.5219G>C, p.Ser1740Thr (NM_018084.5); c.5195+105G>C (NM_001254943.2); short protein forms S1767T, S1740T, S1768T.
Identifiers: ClinVar variation 2090649 (VCV002090649.3), dbSNP rs769591926, ClinGen allele CA47619267.